The following is an entry in ClinVar:

ClinVar aggregate classification (germline): Uncertain significance (1 of 4 stars; one submission).

Conditions:
Inborn genetic diseases. Identifiers: MedGen C0950123, MeSH D030342.

Submission:

Ambry Genetics
Classification: Uncertain significance for Inborn genetic diseases. Last evaluated: 2026-06-24. Review status: criteria provided, single submitter. Criteria: Ambry Variant Classification Scheme 2023. Collection method: clinical testing. Allele origin: germline.
Comment: The p.C115S variant (also known as c.344G>C), located in coding exon 3 of the G6PC3 gene, results from a G to C substitution at nucleotide position 344. The cysteine at codon 115 is replaced by serine, an amino acid with dissimilar properties. This amino acid position is conserved. In addition, this alteration is predicted to be tolerated by in silico analysis. Based on the available evidence, the clinical significance of this variant remains unclear.

NM_138387.4(G6PC3):c.344G>C (p.Cys115Ser)

Gene: G6PC3 (glucose-6-phosphatase catalytic subunit 3; plus strand). Cytogenetic location: 17q21.31.
Variant type: single nucleotide variant.
Coding change: c.344G>C on transcript NM_138387.4 (MANE Select); coding-DNA position 344, G replaced by C.
Protein change: p.Cys115Ser; replaces cysteine 115 with serine.
Molecular consequence: missense variant. On other transcripts: 5 prime UTR variant (4).
Genome position (GRCh38, 1-based): chr17:44,074,698, G>C. VCF-style: chr17-44074698-G-C. GRCh37 (hg19) VCF-style: chr17-42152066-G-C.
Other names: c.344G>C, p.Cys115Ser (NM_001319945.2); c.-2G>C (NM_001384165.1, NM_001384166.1, NM_001384167.1 and 1 more transcripts); short protein forms C115S.
Identifiers: ClinVar variation 5022082 (VCV005022082.1).